The following is an entry in ClinVar:

ClinVar aggregate classification (germline): Uncertain significance. Review status: criteria provided, multiple submitters, no conflicts (2 of 4 stars). 2 submissions from 2 submitters: Uncertain significance (2). Last evaluated 2024-10-18.

Conditions:
Hereditary cancer-predisposing syndrome. Also called: Neoplastic Syndromes, Hereditary; Tumor predisposition; Hereditary Cancer Syndrome; Hereditary neoplastic syndrome. Identifiers: Orphanet 140162, MedGen C0027672, MeSH D009386, MONDO:0015356.

gnomAD v4.1: 1 of 1,613,828 alleles (0.000062%); highest among the groups gnomAD compares: Non-Finnish European, 0.000085%; no homozygotes.

Submissions (2):

Ambry Genetics
Classification: Uncertain significance for Hereditary cancer-predisposing syndrome. Last evaluated: 2024-10-18. Review status: criteria provided, single submitter. Criteria: Ambry Variant Classification Scheme 2023. Collection method: clinical testing. Allele origin: germline.
Comment: The p.H1918P variant (also known as c.5753A>C), located in coding exon 10 of the BRCA2 gene, results from an A to C substitution at nucleotide position 5753. The histidine at codon 1918 is replaced by proline, an amino acid with similar properties. This amino acid position is conserved. In addition, this alteration is predicted to be tolerated by in silico analysis. Based on the available evidence, the clinical significance of this variant remains unclear.

CeGaT Center for Human Genetics Tuebingen
Classification: Uncertain significance. Last evaluated: 2024-10-01. Review status: criteria provided, single submitter. Criteria: CeGaT Center For Human Genetics Tuebingen Variant Classification Criteria Version 2. Collection method: clinical testing. Allele origin: germline. Affected: yes. Observed: 1 variant allele.
Comment: BRCA2: PM2, BP1, BP4

NM_000059.4(BRCA2):c.5753A>C (p.His1918Pro)

Gene: BRCA2 (BRCA2 DNA repair associated; plus strand). Cytogenetic location: 13q13.1.
Variant type: single nucleotide variant.
Coding change: c.5753A>C on transcript NM_000059.4 (MANE Select); coding-DNA position 5753, A replaced by C.
Protein change: p.His1918Pro; replaces histidine 1918 with proline.
Molecular consequence: missense variant. On other transcripts: non-coding transcript variant (1), intron variant (2).
Genome position (GRCh38, 1-based): chr13:32,340,108, A>C. VCF-style: chr13-32340108-A-C. GRCh37 (hg19) VCF-style: chr13-32914245-A-C.
Other names: c.5753A>C, p.His1918Pro (NM_001406719.1, NM_001406720.1, NM_001432077.1); c.1910-4450A>C (NM_001406721.1); c.425-4450A>C (NM_001406722.1); short protein forms H1918P.
Identifiers: ClinVar variation 3389837 (VCV003389837.15).
Genomic context (GRCh38, chr13:32,340,108, plus strand): 5'-ATGATTCAGAGGATATTCTTCATAACTCTCTAGATAATGATGAATGTAGCACGCATTCAC[A>C]TAAGGTTTTTGCTGACATTCAGAGTGAAGAAATTTTACAACATAACCAAAATATGTCTGG-3'
Protein context (NP_000050.3, residues 1908-1928): LDNDECSTHS[His1918Pro]KVFADIQSEE